The following is an entry in ClinVar:

ClinVar aggregate classification (germline): Uncertain significance (1 of 4 stars; one submission).

Conditions:
LTBP4-related disorder. Also called: LTBP4-related condition.

Submission:

PreventionGenetics, part of Exact Sciences
Classification: Uncertain significance for LTBP4-related condition. Last evaluated: 2023-10-10. Review status: criteria provided, single submitter. Criteria: ACMG Guidelines, 2015. Collection method: clinical testing. Allele origin: germline.
Comment: The LTBP4 c.2406T>G variant is predicted to result in the amino acid substitution p.Ser802Arg. To our knowledge, this variant has not been reported in the literature or in a large population database, indicating this variant is rare. At this time, the clinical significance of this variant is uncertain due to the absence of conclusive functional and genetic evidence.

NM_001042545.2(LTBP4):c.2316T>G (p.Ser772Arg)

Gene: LTBP4 (latent transforming growth factor beta binding protein 4; plus strand). Cytogenetic location: 19q13.2.
Variant type: single nucleotide variant.
Coding change: c.2316T>G on transcript NM_001042545.2 (MANE Select); coding-DNA position 2316, T replaced by G.
Protein change: p.Ser772Arg; replaces serine 772 with arginine.
Molecular consequence: missense variant.
Genome position (GRCh38, 1-based): chr19:40,613,081, T>G. VCF-style: chr19-40613081-T-G. GRCh37 (hg19) VCF-style: chr19-41118987-T-G.
Other names: c.2517T>G, p.Ser839Arg (NM_001042544.1); c.2406T>G, p.Ser802Arg (NM_003573.2); short protein forms S772R, S802R, S839R.
Identifiers: ClinVar variation 2633981 (VCV002633981.1), dbSNP rs2515364791, ClinGen allele CA405938674.
Genomic context (GRCh38, chr19:40,613,081, plus strand): 5'-TGTCCCGAGACTGGACCCTTTCTGAACACCCCCACCCCCCACAGATGTGGACGAATGCAG[T>G]TCGGGTGCCCCTCCCTGTGGTCCCCACGGCCACTGCACTAACACCGAAGGCTCCTTCCGC-3'
Protein context (NP_001036010.1, residues 762-782): RGRCTDVDEC[Ser772Arg]SGAPPCGPHG